The following is an entry in ClinVar:

ClinVar aggregate classification (germline): Uncertain significance (1 of 4 stars; one submission).

Conditions:
Inborn genetic diseases. Identifiers: MedGen C0950123, MeSH D030342.

gnomAD v4.1: 3 of 1,609,678 alleles (0.00019%); highest among the groups gnomAD compares: Non-Finnish European, 0.00025%; no homozygotes.

Submission:

Ambry Genetics
Classification: Uncertain significance for Inborn genetic diseases. Last evaluated: 2025-02-08. Review status: criteria provided, single submitter. Criteria: Ambry Variant Classification Scheme 2023. Collection method: clinical testing. Allele origin: germline.
Comment: The p.M748I variant (also known as c.2244G>C), located in coding exon 14 of the RECQL4 gene, results from a G to C substitution at nucleotide position 2244. The methionine at codon 748 is replaced by isoleucine, an amino acid with highly similar properties. This amino acid position is conserved. In addition, the in silico prediction for this alteration is inconclusive. Based on the available evidence, the clinical significance of this variant remains unclear.

NM_004260.4(RECQL4):c.2244G>C (p.Met748Ile)

Gene: RECQL4 (RecQ like helicase 4; minus strand). Cytogenetic location: 8q24.3.
Variant type: single nucleotide variant.
Coding change: c.2244G>C on transcript NM_004260.4 (MANE Select); coding-DNA position 2244, G replaced by C.
Protein change: p.Met748Ile; replaces methionine 748 with isoleucine.
Molecular consequence: missense variant. On other transcripts: non-coding transcript variant (3).
Genome position (GRCh38, 1-based): chr8:144,513,437, C>G on the plus strand (G>C on the coding strand, the complement: RECQL4 is on the minus strand). VCF-style: chr8-144513437-C-G. GRCh37 (hg19) VCF-style: chr8-145738821-C-G.
Other names: c.2148G>C, p.Met716Ile (NM_001413017.1, NM_001413020.1); c.2244G>C, p.Met748Ile (NM_001413018.1, NM_001413019.1, NM_001413036.1); c.1173G>C, p.Met391Ile (NM_001413021.1, NM_001413022.1, NM_001413023.1 and 6 more transcripts); c.2115G>C, p.Met705Ile (NM_001413025.1); c.1107G>C, p.Met369Ile (NM_001413027.1, NM_001413030.1, NM_001413032.1 and 1 more transcripts); c.1893G>C, p.Met631Ile (NM_001413029.1); c.975G>C, p.Met325Ile (NM_001413031.1); c.2112G>C, p.Met704Ile (NM_001413033.1); and 4 more; short protein forms M631I, M716I, M325I, M381I, M738I, M259I, M369I, M391I.
Identifiers: ClinVar variation 3788031 (VCV003788031.1).
Genomic context (GRCh38, chr8:144,513,437, plus strand): 5'-CACCACCCGCAACTGGCCCTGCATGAAGGCTCGCTGTACCCGCCGCCGTTCCCGGCTGCA[C>G]ATGCCCGCGTGGTAGGCCTCGGCTGTGGTTTTGGGGGCACGACCTTTGGGGAAGACAGGC-3'
Protein context (NP_004251.4, residues 738-758): KTTAEAYHAG[Met748Ile]CSRERRRVQR